The following is an entry in ClinVar:

NM_002049.4(GATA1):c.788C>T (p.Thr263Met)

Gene: GATA1 (GATA binding protein 1; plus strand). Cytogenetic location: Xp11.23.
Variant type: single nucleotide variant.
Coding change: c.788C>T on transcript NM_002049.4 (MANE Select); coding-DNA position 788, C replaced by T.
Protein change: p.Thr263Met; replaces threonine 263 with methionine.
Molecular consequence: missense variant.
Genome position (GRCh38, 1-based): chrX:48,793,215, C>T. VCF-style: chrX-48793215-C-T. GRCh37 (hg19) VCF-style: chrX-48651622-C-T.
Other names: short protein forms T263M.
Identifiers: ClinVar variation 3748558 (VCV003748558.2).

ClinVar aggregate classification (germline): Pathogenic (1 of 4 stars; one submission).

Conditions:
GATA binding protein 1 related thrombocytopenia with dyserythropoiesis. Also called: GATA1-Related X-Linked Cytopenia; GATA1-Related Cytopenia. Identifiers: MedGen C1845837, MONDO:0100089.
Diamond-Blackfan anemia. Also called: Blackfan Diamond syndrome; Aregenerative anemia chronic congenital; Red cell aplasia, pure hereditary; Congenital hypoplastic anemia; Aase syndrome. Identifiers: Orphanet 124, MedGen C1260899, MeSH D029503, MONDO:0015253, HP:0004810.

gnomAD v4.1: 1 of 1,209,034 alleles (0.000083%); no homozygotes.

Submission:

Labcorp Genetics (formerly Invitae), Labcorp
Classification: Pathogenic for GATA binding protein 1 related thrombocytopenia with dyserythropoiesis; Diamond-Blackfan anemia. Last evaluated: 2024-10-22. Review status: criteria provided, single submitter. Criteria: Invitae Variant Classification Sherloc (09022015). Collection method: clinical testing. Allele origin: germline.
Comment: This sequence change replaces threonine, which is neutral and polar, with methionine, which is neutral and non-polar, at codon 263 of the GATA1 protein (p.Thr263Met). The frequency data for this variant in the population databases is considered unreliable, as metrics indicate poor data quality at this position in the gnomAD database. This missense change has been observed in individual(s) with cytopenia (PMID: 33611093). It has also been observed to segregate with disease in related individuals. Invitae Evidence Modeling of protein sequence and biophysical properties (such as structural, functional, and spatial information, amino acid conservation, physicochemical variation, residue mobility, and thermodynamic stability) has been performed for this missense variant. However, the output from this modeling did not meet the statistical confidence thresholds required to predict the impact of this variant on GATA1 protein function. For these reasons, this variant has been classified as Pathogenic.

Literature cited by the submitters: PubMed 33611093.